The following is an entry in ClinVar:

NM_000038.6(APC):c.6886A>G (p.Ser2296Gly)

Gene: APC (APC regulator of Wnt signaling pathway; plus strand). Cytogenetic location: 5q22.2.
Variant type: single nucleotide variant.
Coding change: c.6886A>G on transcript NM_000038.6 (MANE Select); coding-DNA position 6886, A replaced by G.
Protein change: p.Ser2296Gly; replaces serine 2296 with glycine.
Molecular consequence: missense variant.
Genome position (GRCh38, 1-based): chr5:112,842,480, A>G. VCF-style: chr5-112842480-A-G. GRCh37 (hg19) VCF-style: chr5-112178177-A-G.
Other names: c.6886A>G, p.Ser2296Gly (NM_001127510.3, NM_001354895.2); c.6832A>G, p.Ser2278Gly (NM_001127511.3); c.6940A>G, p.Ser2314Gly (NM_001354896.2); c.6916A>G, p.Ser2306Gly (NM_001354897.2); c.6811A>G, p.Ser2271Gly (NM_001354898.2); c.6802A>G, p.Ser2268Gly (NM_001354899.2); c.6763A>G, p.Ser2255Gly (NM_001354900.2); c.6709A>G, p.Ser2237Gly (NM_001354901.2); and 5 more; short protein forms S2237G, S2268G, S2306G, S2013G, S2136G, S2255G, S2278G, S2195G.
Identifiers: ClinVar variation 857542 (VCV000857542.55), dbSNP rs773969436, ClinGen allele CA046373.
Genomic context (GRCh38, chr5:112,842,480, plus strand): 5'-CCATCTGTGAAATCAGAATTAAGCCCTGTTGCCAGGCAGACATCCCAAATAGGTGGGTCA[A>G]GTAAAGCACCTTCTAGATCAGGATCTAGAGATTCGACCCCTTCAAGACCTGCCCAGCAAC-3'
Protein context (NP_000029.2, residues 2286-2306): ARQTSQIGGS[Ser2296Gly]KAPSRSGSRD

ClinVar aggregate classification (germline): Uncertain significance. Review status: criteria provided, multiple submitters, no conflicts (2 of 4 stars). 3 submissions from 3 submitters: Uncertain significance (3). Last evaluated 2025-05-04.

Conditions:
Hereditary cancer-predisposing syndrome. Also called: Tumor predisposition; Hereditary neoplastic syndrome; Neoplastic Syndromes, Hereditary; Hereditary Cancer Syndrome. Identifiers: Orphanet 140162, MedGen C0027672, MeSH D009386, MONDO:0015356.
Familial adenomatous polyposis 1 (FAP1). Also called: FAMILIAL ADENOMATOUS POLYPOSIS 1, ATTENUATED; POLYPOSIS, ADENOMATOUS INTESTINAL. Identifiers: MedGen C2713442, MONDO:0021056, OMIM 175100. Disease mechanism: loss of function.

Allele frequency attached by ClinVar (database versions not stated): gnomAD exomes below 0.00001; ExAC 0.00001.
gnomAD v4.1: 1 of 1,614,050 alleles (0.000062%); highest among the groups gnomAD compares: Non-Finnish European, 0.000085%; no homozygotes.

Submissions (3):

Labcorp Genetics (formerly Invitae), Labcorp
Classification: Uncertain significance for Familial adenomatous polyposis 1. Last evaluated: 2025-05-04. Review status: criteria provided, single submitter. Criteria: Invitae Variant Classification Sherloc (09022015). Collection method: clinical testing. Allele origin: germline.
Comment: This sequence change replaces serine, which is neutral and polar, with glycine, which is neutral and non-polar, at codon 2296 of the APC protein (p.Ser2296Gly). This variant is present in population databases (rs773969436, gnomAD 0.0009%). This variant has not been reported in the literature in individuals affected with APC-related conditions. ClinVar contains an entry for this variant (Variation ID: 857542). Invitae Evidence Modeling of protein sequence and biophysical properties (such as structural, functional, and spatial information, amino acid conservation, physicochemical variation, residue mobility, and thermodynamic stability) indicates that this missense variant is not expected to disrupt APC protein function with a negative predictive value of 95%. In summary, the available evidence is currently insufficient to determine the role of this variant in disease. Therefore, it has been classified as a Variant of Uncertain Significance.

Ambry Genetics
Classification: Uncertain significance for Hereditary cancer-predisposing syndrome. Last evaluated: 2022-08-23. Review status: criteria provided, single submitter. Criteria: Ambry Variant Classification Scheme 2023. Collection method: clinical testing. Allele origin: germline.
Comment: The p.S2296G variant (also known as c.6886A>G), located in coding exon 15 of the APC gene, results from an A to G substitution at nucleotide position 6886. The serine at codon 2296 is replaced by glycine, an amino acid with similar properties. This amino acid position is poorly conserved in available vertebrate species. In addition, in silico predictors for this gene do not accurately predict pathogenicity. Since supporting evidence is limited at this time, the clinical significance of this alteration remains unclear.

Color Diagnostics, LLC DBA Color Health
Classification: Uncertain significance for Hereditary cancer-predisposing syndrome. Last evaluated: 2022-03-22. Review status: criteria provided, single submitter. Criteria: ACMG Guidelines, 2015. Collection method: clinical testing. Allele origin: germline.
Comment: This missense variant replaces serine with glycine at codon 2296 of the APC protein. Computational prediction suggests that this variant may not impact protein structure and function (internally defined REVEL score threshold <= 0.5, PMID: 27666373). To our knowledge, functional studies have not been reported for this variant. This variant has not been reported in individuals affected with hereditary cancer in the literature. This variant has been identified in 1/250930 chromosomes in the general population by the Genome Aggregation Database (gnomAD). The available evidence is insufficient to determine the role of this variant in disease conclusively. Therefore, this variant is classified as a Variant of Uncertain Significance.